The following is an entry in ClinVar:

ClinVar aggregate classification (germline): Uncertain significance (1 of 4 stars; one submission).

Conditions:
Ulnar-mammary syndrome (UMS). Also called: SCHINZEL SYNDROME; PALLISTER ULNAR-MAMMARY SYNDROME; Ulnar-mammary syndrome of Pallister. Identifiers: Orphanet 3138, MedGen C1866994, MONDO:0008411, OMIM 181450.

Allele frequency attached by ClinVar (database versions not stated): gnomAD exomes 0.00001.
gnomAD v4.1: 3 of 1,571,650 alleles (0.00019%); highest among the groups gnomAD compares: South Asian, 0.0012%; no homozygotes.

Submission:

Labcorp Genetics (formerly Invitae), Labcorp
Classification: Uncertain significance for Ulnar-mammary syndrome. Last evaluated: 2024-12-23. Review status: criteria provided, single submitter. Criteria: Invitae Variant Classification Sherloc (09022015). Collection method: clinical testing. Allele origin: germline.
Comment: This sequence change replaces glycine, which is neutral and non-polar, with serine, which is neutral and polar, at codon 652 of the TBX3 protein (p.Gly652Ser). The frequency data for this variant in the population databases is considered unreliable, as metrics indicate poor data quality at this position in the gnomAD database. This variant has not been reported in the literature in individuals affected with TBX3-related conditions. ClinVar contains an entry for this variant (Variation ID: 1525929). An algorithm developed to predict the effect of missense changes on protein structure and function outputs the following: PolyPhen-2: "Benign". The serine amino acid residue is found in multiple mammalian species, which suggests that this missense change does not adversely affect protein function. In summary, the available evidence is currently insufficient to determine the role of this variant in disease. Therefore, it has been classified as a Variant of Uncertain Significance.

NM_005996.4(TBX3):c.1954G>A (p.Gly652Ser)

Gene: TBX3 (T-box transcription factor 3; minus strand). Cytogenetic location: 12q24.21.
Variant type: single nucleotide variant.
Coding change: c.1954G>A on transcript NM_005996.4 (MANE Select); coding-DNA position 1954, G replaced by A.
Protein change: p.Gly652Ser; replaces glycine 652 with serine.
Molecular consequence: missense variant.
Genome position (GRCh38, 1-based): chr12:114,672,059, C>T on the plus strand (G>A on the coding strand, the complement: TBX3 is on the minus strand). VCF-style: chr12-114672059-C-T. GRCh37 (hg19) VCF-style: chr12-115109864-C-T.
Other names: c.2014G>A, p.Gly672Ser (NM_016569.4); short protein forms G672S, G652S.
Identifiers: ClinVar variation 1525929 (VCV001525929.8), dbSNP rs1367860375, ClinGen allele CA386867853.